The following is an entry in ClinVar:

ClinVar aggregate classification (germline): Uncertain significance. Review status: criteria provided, multiple submitters, no conflicts (2 of 4 stars). 3 submissions from 3 submitters: Uncertain significance (3). Last evaluated 2025-02-10.

Conditions:
Hereditary cancer-predisposing syndrome. Also called: Tumor predisposition; Hereditary Cancer Syndrome; Hereditary neoplastic syndrome; Neoplastic Syndromes, Hereditary. Identifiers: Orphanet 140162, MedGen C0027672, MeSH D009386, MONDO:0015356.
Familial cancer of breast. Also called: BREAST CANCER, FAMILIAL; Hereditary breast cancer; hereditary breast carcinoma. Identifiers: Orphanet 227535, MedGen C0346153, MONDO:0016419, OMIM 114480. Disease mechanism: loss of function.

Allele frequency attached by ClinVar (database versions not stated): gnomAD exomes below 0.00001.
gnomAD v4.1: 1 of 1,614,118 alleles (0.000062%); highest among the groups gnomAD compares: Non-Finnish European, 0.000085%; no homozygotes.

Submissions (3):

Ambry Genetics
Classification: Uncertain significance for Hereditary cancer-predisposing syndrome. Last evaluated: 2025-02-10. Review status: criteria provided, single submitter. Criteria: Ambry Variant Classification Scheme 2023. Collection method: clinical testing. Allele origin: germline.
Comment: The p.S769C variant (also known as c.2306C>G), located in coding exon 11 of the BARD1 gene, results from a C to G substitution at nucleotide position 2306. The serine at codon 769 is replaced by cysteine, an amino acid with dissimilar properties. This amino acid position is not well conserved in available vertebrate species. In addition, this alteration is predicted to be tolerated by in silico analysis. Since supporting evidence is limited at this time, the clinical significance of this alteration remains unclear.

Labcorp Genetics (formerly Invitae), Labcorp
Classification: Uncertain significance for Familial cancer of breast. Last evaluated: 2024-11-11. Review status: criteria provided, single submitter. Criteria: Invitae Variant Classification Sherloc (09022015). Collection method: clinical testing. Allele origin: germline.
Comment: This sequence change replaces serine, which is neutral and polar, with cysteine, which is neutral and slightly polar, at codon 769 of the BARD1 protein (p.Ser769Cys). This variant is not present in population databases (gnomAD no frequency). This variant has not been reported in the literature in individuals affected with BARD1-related conditions. ClinVar contains an entry for this variant (Variation ID: 182058). An algorithm developed to predict the effect of missense changes on protein structure and function (PolyPhen-2) suggests that this variant is likely to be disruptive. In summary, the available evidence is currently insufficient to determine the role of this variant in disease. Therefore, it has been classified as a Variant of Uncertain Significance.

GeneDx
Classification: Uncertain significance. Last evaluated: 2019-07-23. Review status: criteria provided, single submitter. Criteria: GeneDx Variant Classification Process June 2021. Collection method: clinical testing. Allele origin: germline. Affected: yes.
Comment: Not observed at a significant frequency in large population cohorts (Lek et al., 2016); In silico analysis, which includes protein predictors and evolutionary conservation, supports a deleterious effect; Has not been previously published as pathogenic or benign to our knowledge

NM_000465.4(BARD1):c.2306C>G (p.Ser769Cys)

Gene: BARD1 (BRCA1 associated RING domain 1; minus strand). Cytogenetic location: 2q35.
Variant type: single nucleotide variant.
Coding change: c.2306C>G on transcript NM_000465.4 (MANE Select); coding-DNA position 2306, C replaced by G.
Protein change: p.Ser769Cys; replaces serine 769 with cysteine.
Molecular consequence: missense variant. On other transcripts: non-coding transcript variant (3).
Genome position (GRCh38, 1-based): chr2:214,728,704, G>C on the plus strand (C>G on the coding strand, the complement: BARD1 is on the minus strand). VCF-style: chr2-214728704-G-C. GRCh37 (hg19) VCF-style: chr2-215593428-G-C.
Other names: p.S769C:TCC>TGC; c.2249C>G, p.Ser750Cys (NM_001282543.2); c.953C>G, p.Ser318Cys (NM_001282545.2); c.896C>G, p.Ser299Cys (NM_001282548.2); c.767C>G, p.Ser256Cys (NM_001282549.2); short protein forms S769C, S750C, S299C, S318C, S256C.
Identifiers: ClinVar variation 182058 (VCV000182058.19), dbSNP rs730881427, ClinGen allele CA298488.